The following is an entry in ClinVar:

ClinVar aggregate classification (germline): Uncertain significance (1 of 4 stars; one submission).

gnomAD v4.1: 6 of 1,614,094 alleles (0.00037%); highest among the groups gnomAD compares: East Asian, 0.0022%; no homozygotes.

Submission:

Labcorp Genetics (formerly Invitae), Labcorp
Classification: Uncertain significance. Last evaluated: 2026-01-08. Review status: criteria provided, single submitter. Criteria: Invitae Variant Classification Sherloc (09022015). Collection method: clinical testing. Allele origin: germline.
Comment: This sequence change replaces serine, which is neutral and polar, with leucine, which is neutral and non-polar, at codon 280 of the ATP5A1 protein (p.Ser280Leu). This variant is present in population databases (rs753952939, gnomAD 0.003%). This variant has not been reported in the literature in individuals affected with ATP5A1-related conditions. Invitae Evidence Modeling of protein sequence and biophysical properties (such as structural, functional, and spatial information, amino acid conservation, physicochemical variation, residue mobility, and thermodynamic stability) indicates that this missense variant is expected to disrupt ATP5A1 protein function with a positive predictive value of 80%. In summary, the available evidence is currently insufficient to determine the role of this variant in disease. Therefore, it has been classified as a Variant of Uncertain Significance.

NM_004046.6(ATP5F1A):c.839C>T (p.Ser280Leu)

Gene: ATP5F1A (ATP synthase F1 subunit alpha; minus strand). Cytogenetic location: 18q21.1.
Variant type: single nucleotide variant.
Coding change: c.839C>T on transcript NM_004046.6 (MANE Select); coding-DNA position 839, C replaced by T.
Protein change: p.Ser280Leu; replaces serine 280 with leucine.
Molecular consequence: missense variant.
Genome position (GRCh38, 1-based): chr18:46,087,453, G>A on the plus strand (C>T on the coding strand, the complement: ATP5F1A is on the minus strand). VCF-style: chr18-46087453-G-A. GRCh37 (hg19) VCF-style: chr18-43667419-G-A.
Other names: c.689C>T, p.Ser230Leu (NM_001001935.3, NM_001257335.2); c.839C>T, p.Ser280Leu (NM_001001937.2); c.773C>T, p.Ser258Leu (NM_001257334.2); short protein forms S280L, S230L, S258L.
Identifiers: ClinVar variation 4773374 (VCV004773374.1).